The following is an entry in ClinVar:

ClinVar aggregate classification (germline): Uncertain significance (1 of 4 stars; one submission).

Conditions:
Mowat-Wilson syndrome (MOWS). Also called: Classic Mowat-Wilson Syndrome. Identifiers: Orphanet 2152, MedGen C1856113, MONDO:0009341, OMIM 235730.

Submission:

Labcorp Genetics (formerly Invitae), Labcorp
Classification: Uncertain significance for Mowat-Wilson syndrome. Last evaluated: 2025-06-11. Review status: criteria provided, single submitter. Criteria: Invitae Variant Classification Sherloc (09022015). Collection method: clinical testing. Allele origin: germline.
Comment: This sequence change replaces methionine, which is neutral and non-polar, with arginine, which is basic and polar, at codon 1074 of the ZEB2 protein (p.Met1074Arg). This variant is not present in population databases (gnomAD no frequency). This variant has not been reported in the literature in individuals affected with ZEB2-related conditions. Invitae Evidence Modeling of protein sequence and biophysical properties (such as structural, functional, and spatial information, amino acid conservation, physicochemical variation, residue mobility, and thermodynamic stability) indicates that this missense variant is expected to disrupt ZEB2 protein function with a positive predictive value of 80%. In summary, the available evidence is currently insufficient to determine the role of this variant in disease. Therefore, it has been classified as a Variant of Uncertain Significance.

NM_014795.4(ZEB2):c.3221T>G (p.Met1074Arg)

Gene: ZEB2 (zinc finger E-box binding homeobox 2; minus strand). Cytogenetic location: 2q22.3.
Variant type: single nucleotide variant.
Coding change: c.3221T>G on transcript NM_014795.4 (MANE Select); coding-DNA position 3221, T replaced by G.
Protein change: p.Met1074Arg; replaces methionine 1074 with arginine.
Molecular consequence: missense variant.
Genome position (GRCh38, 1-based): chr2:144,389,875, A>C on the plus strand (T>G on the coding strand, the complement: ZEB2 is on the minus strand). VCF-style: chr2-144389875-A-C. GRCh37 (hg19) VCF-style: chr2-145147442-A-C.
Other names: c.3149T>G, p.Met1050Arg (NM_001171653.2); short protein forms M1050R, M1074R.
Identifiers: ClinVar variation 4743706 (VCV004743706.1).